The following is an entry in ClinVar:

ClinVar aggregate classification (germline): Benign/Likely benign. Review status: criteria provided, multiple submitters, no conflicts (2 of 4 stars). 8 submissions from 8 submitters: Benign (2); Likely benign (3). 3 of the submissions do not count toward it. Last evaluated 2026-02-04.

Conditions:
Niemann-Pick disease, type B. Also called: Chronic Visceral ASMD (Niemann-Pick Disease Type B; NPD-B). Identifiers: Orphanet 77293, MedGen C0268243, MONDO:0011871, OMIM 607616. Disease mechanism: loss of function.
Niemann-Pick disease, type A. Also called: SPHINGOMYELIN LIPIDOSIS; SPHINGOMYELINASE DEFICIENCY; Infantile Neurovisceral ASMD (Niemann-Pick Disease Type A; NPD-A). Identifiers: Orphanet 77292, MedGen C0268242, MONDO:0009756, OMIM 257200. Disease mechanism: loss of function.
Sphingomyelin/cholesterol lipidosis. Also called: Niemann-Pick disease. Identifiers: MedGen C0028064, MONDO:0001982.

Allele frequency attached by ClinVar (database versions not stated): gnomAD exomes 0.00057 and 0.00166; ExAC 0.00199; 1000 Genomes Project 0.00559; gnomAD 0.00622 and 0.00668; 1000 Genomes Project 30x 0.00625; ESP Exome Variant Server 0.00693; TOPMed 0.00715.

Submissions (8):

Labcorp Genetics (formerly Invitae), Labcorp
Classification: Benign for Niemann-Pick disease, type B; Niemann-Pick disease, type A. Last evaluated: 2026-02-04. Review status: criteria provided, single submitter. Criteria: Invitae Variant Classification Sherloc (09022015). Collection method: clinical testing. Allele origin: germline.

Blueprint Genetics
Classification: Likely benign. Last evaluated: 2024-11-12. Review status: criteria provided, single submitter. Criteria: ACMG Guidelines, 2015. Collection method: clinical testing. Allele origin: germline.

Illumina Laboratory Services, Illumina
Classification: Likely benign for Niemann-Pick disease, type A. Last evaluated: 2018-01-13. Review status: criteria provided, single submitter. Criteria: ICSL Variant Classification Criteria 13 December 2019. Collection method: clinical testing. Allele origin: germline.
Comment: This variant was observed in the ICSL laboratory as part of a predisposition screen in an ostensibly healthy population. It had not been previously curated by ICSL or reported in the Human Gene Mutation Database (HGMD: prior to June 1st, 2018), and was therefore a candidate for classification through an automated scoring system. Utilizing variant allele frequency, disease prevalence and penetrance estimates, and inheritance mode, an automated score was calculated to assess if this variant is too frequent to cause the disease. Based on the score and internal cut-off values, a variant classified as likely benign is not then subjected to further curation. The score for this variant resulted in a classification of likely benign for this disease.

Eurofins Ntd Llc (ga)
Classification: Benign. Last evaluated: 2016-12-15. Review status: criteria provided, single submitter. Criteria: EGL Classification Definitions 2015. Collection method: clinical testing. Allele origin: germline. Observed: 3 variant alleles, 3 heterozygotes.

Breakthrough Genomics
Classification: Likely benign. Review status: criteria provided, single submitter. Criteria: ACMG Guidelines, 2015. Collection method: not provided. Allele origin: germline. Inheritance: Autosomal recessive inheritance. Affected: yes.

Natera, Inc.
Classification: Benign for Acid sphingomyelinase deficiency. Last evaluated: 2020-09-16. Review status: no assertion criteria provided. Collection method: clinical testing. Allele origin: germline. Not counted in ClinVar's aggregate classification.

Mayo Clinic Laboratories, Mayo Clinic
Classification: Benign. Last evaluated: 2018-02-08. Review status: no assertion criteria provided. Collection method: clinical testing. Allele origin: unknown. Not counted in ClinVar's aggregate classification.

Counsyl
Classification: Likely benign for Niemann-Pick disease, type A. Last evaluated: 2017-04-25. Review status: no assertion criteria provided. Collection method: clinical testing. Allele origin: unknown. Not counted in ClinVar's aggregate classification.

NM_000543.5(SMPD1):c.719G>A (p.Arg240Gln)

Gene: SMPD1 (sphingomyelin phosphodiesterase 1; plus strand). Cytogenetic location: 11p15.4.
Variant type: single nucleotide variant.
Coding change: c.719G>A on transcript NM_000543.5 (MANE Select); coding-DNA position 719, G replaced by A.
Protein change: p.Arg240Gln; replaces arginine 240 with glutamine.
Molecular consequence: missense variant. On other transcripts: 5 prime UTR variant (1), non-coding transcript variant (1).
Genome position (GRCh38, 1-based): chr11:6,391,784, G>A. VCF-style: chr11-6391784-G-A. GRCh37 (hg19) VCF-style: chr11-6413014-G-A.
Other names: c.716G>A, p.Arg239Gln (NM_001007593.3); c.719G>A, p.Arg240Gln (NM_001318087.2, NM_001365135.2); c.-243G>A (NM_001318088.2); short protein forms R240Q, R239Q.
Identifiers: ClinVar variation 459634 (VCV000459634.25), dbSNP rs2634197, ClinGen allele CA5852671.